The following is an entry in ClinVar:

NM_001375808.2(LPIN2):c.2327+14A>G

Gene: LPIN2 (lipin 2; minus strand). Cytogenetic location: 18p11.31.
Variant type: single nucleotide variant.
Coding change: c.2327+14A>G on transcript NM_001375808.2 (MANE Select); 14 bases into the intron after coding-DNA position 2327, A replaced by G.
Molecular consequence: intron variant.
Genome position (GRCh38, 1-based): chr18:2,922,033, T>C on the plus strand (A>G on the coding strand, the complement: LPIN2 is on the minus strand). VCF-style: chr18-2922033-T-C. GRCh37 (hg19) VCF-style: chr18-2922031-T-C.
Other names: c.2327+14A>G (NM_014646.2, NM_001375809.1).
Identifiers: ClinVar variation 389793 (VCV000389793.9), dbSNP rs370048111, ClinGen allele CA8872774.

ClinVar aggregate classification (germline): Likely benign. Review status: criteria provided, multiple submitters, no conflicts (2 of 4 stars). 2 submissions from 2 submitters: Likely benign (2). Last evaluated 2022-07-05.

Conditions:
Majeed syndrome (MJDS). Also called: LPIN2-Related Majeed Syndrome; CHRONIC RECURRENT MULTIFOCAL OSTEOMYELITIS 1, WITH CONGENITAL DYSERYTHROPOIETIC ANEMIA, WITH OR WITHOUT NEUTROPHILIC DERMATOSIS. Identifiers: Orphanet 77297, MedGen C1864997, MONDO:0012316, OMIM 609628.

Allele frequency attached by ClinVar (database versions not stated): gnomAD exomes 0.00001 and 0.00003; ExAC 0.00005; gnomAD 0.00009 and 0.00010; TOPMed 0.00009; ESP Exome Variant Server 0.00015.
gnomAD v4.1: 25 of 1,609,580 alleles (0.0016%); highest among the groups gnomAD compares: African/African-American, 0.032%; no homozygotes.

Submissions (2):

Labcorp Genetics (formerly Invitae), Labcorp
Classification: Likely benign for Majeed syndrome. Last evaluated: 2022-07-05. Review status: criteria provided, single submitter. Criteria: Invitae Variant Classification Sherloc (09022015). Collection method: clinical testing. Allele origin: germline.

GeneDx
Classification: Likely benign. Last evaluated: 2016-10-03. Review status: criteria provided, single submitter. Criteria: GeneDx Variant Classification (06012015). Collection method: clinical testing. Allele origin: germline. Affected: yes.
Comment: This variant is considered likely benign or benign based on one or more of the following criteria: it is a conservative change, it occurs at a poorly conserved position in the protein, it is predicted to be benign by multiple in silico algorithms, and/or has population frequency not consistent with disease.